The following is an entry in ClinVar:

ClinVar aggregate classification (germline): Uncertain significance (1 of 4 stars; one submission).

Conditions:
Vici syndrome (VICIS). Identifiers: Orphanet 1493, MedGen C1855772, MONDO:0009452, OMIM 242840.

Allele frequency attached by ClinVar (database versions not stated): ExAC 0.00001; gnomAD 0.00001; gnomAD exomes 0.00001; TOPMed 0.00001.
gnomAD v4.1: 17 of 1,613,676 alleles (0.0011%); highest among the groups gnomAD compares: Non-Finnish European, 0.0014%; no homozygotes.

Submission:

Labcorp Genetics (formerly Invitae), Labcorp
Classification: Uncertain significance for Vici syndrome. Last evaluated: 2021-09-01. Review status: criteria provided, single submitter. Criteria: Invitae Variant Classification Sherloc (09022015). Collection method: clinical testing. Allele origin: germline.
Comment: This sequence change replaces tyrosine with histidine at codon 949 of the EPG5 protein (p.Tyr949His). The tyrosine residue is moderately conserved and there is a moderate physicochemical difference between tyrosine and histidine. This variant is present in population databases (rs750349437, ExAC 0.002%). This variant has not been reported in the literature in individuals affected with EPG5-related conditions. Algorithms developed to predict the effect of missense changes on protein structure and function are either unavailable or do not agree on the potential impact of this missense change (SIFT: "Deleterious"; PolyPhen-2: "Probably Damaging"; Align-GVGD: "Class C0"). In summary, the available evidence is currently insufficient to determine the role of this variant in disease. Therefore, it has been classified as a Variant of Uncertain Significance.

NM_020964.3(EPG5):c.2845T>C (p.Tyr949His)

Gene: EPG5 (ectopic P-granules 5 autophagy tethering factor; minus strand). Cytogenetic location: 18q21.1.
Variant type: single nucleotide variant.
Coding change: c.2845T>C on transcript NM_020964.3 (MANE Select); coding-DNA position 2845, T replaced by C.
Protein change: p.Tyr949His; replaces tyrosine 949 with histidine.
Molecular consequence: missense variant.
Genome position (GRCh38, 1-based): chr18:45,922,594, A>G on the plus strand (T>C on the coding strand, the complement: EPG5 is on the minus strand). VCF-style: chr18-45922594-A-G. GRCh37 (hg19) VCF-style: chr18-43502560-A-G.
Other names: c.2845T>C, p.Tyr949His (LRG_1234t1); short protein forms Y949H.
Identifiers: ClinVar variation 661833 (VCV000661833.4), dbSNP rs750349437, ClinGen allele CA8949314.